The following is an entry in ClinVar:

NM_000426.4(LAMA2):c.5074G>C (p.Val1692Leu)

Gene: LAMA2 (laminin subunit alpha 2; plus strand). Cytogenetic location: 6q22.33.
Variant type: single nucleotide variant.
Coding change: c.5074G>C on transcript NM_000426.4 (MANE Select); coding-DNA position 5074, G replaced by C.
Protein change: p.Val1692Leu; replaces valine 1692 with leucine.
Molecular consequence: missense variant.
Genome position (GRCh38, 1-based): chr6:129,391,493, G>C. VCF-style: chr6-129391493-G-C. GRCh37 (hg19) VCF-style: chr6-129712638-G-C.
Other names: c.5074G>C, p.Val1692Leu (NM_001079823.2); short protein forms V1692L.
Identifiers: ClinVar variation 714306 (VCV000714306.39), dbSNP rs567613582, ClinGen allele CA3993776.

ClinVar aggregate classification (germline): Benign/Likely benign. Review status: criteria provided, multiple submitters, no conflicts (2 of 4 stars). 5 submissions from 5 submitters: Benign (1); Likely benign (4). Last evaluated 2026-01-24.

Conditions:
LAMA2-related muscular dystrophy (LAMA2-RD). Also called: Laminin alpha 2-related dystrophy. Identifiers: MedGen C5679788, MONDO:0100228.

Allele frequency attached by ClinVar (database versions not stated): gnomAD below 0.00001 and 0.00011; TOPMed 0.00005; gnomAD exomes 0.00022 and 0.00040; ExAC 0.00046; 1000 Genomes Project 0.00060; 1000 Genomes Project 30x 0.00094.
gnomAD v4.1: 341 of 1,613,386 alleles (0.021%); highest among the groups gnomAD compares: South Asian, 0.36%; 7 homozygotes.

Submissions (5):

Labcorp Genetics (formerly Invitae), Labcorp
Classification: Benign for LAMA2-related muscular dystrophy. Last evaluated: 2026-01-24. Review status: criteria provided, single submitter. Criteria: Invitae Variant Classification Sherloc (09022015). Collection method: clinical testing. Allele origin: germline.

Revvity Omics, Revvity
Classification: Likely benign. Last evaluated: 2024-12-16. Review status: criteria provided, single submitter. Criteria: ACMG Guidelines, 2015. Collection method: clinical testing. Allele origin: germline.

Blueprint Genetics
Classification: Likely benign. Last evaluated: 2024-10-04. Review status: criteria provided, single submitter. Criteria: ACMG Guidelines, 2015. Collection method: clinical testing. Allele origin: germline.

CeGaT Center for Human Genetics Tuebingen
Classification: Likely benign. Last evaluated: 2023-05-01. Review status: criteria provided, single submitter. Criteria: CeGaT Center For Human Genetics Tuebingen Variant Classification Criteria Version 2. Collection method: clinical testing. Allele origin: germline. Affected: yes. Observed: 1 variant allele.
Comment: LAMA2: BP4, BS2

GeneDx
Classification: Likely benign. Last evaluated: 2021-05-07. Review status: criteria provided, single submitter. Criteria: GeneDx Variant Classification Process June 2021. Collection method: clinical testing. Allele origin: germline. Affected: yes.
Comment: See Variant Classification Assertion Criteria.